The following is an entry in ClinVar:

ClinVar aggregate classification (germline): Uncertain significance. Review status: criteria provided, multiple submitters, no conflicts (2 of 4 stars). 3 submissions from 3 submitters: Uncertain significance (2). 1 of the submissions does not count toward it. Last evaluated 2025-01-20.

Conditions:
PCLO-related disorder. Also called: PCLO-related condition.
Pontocerebellar hypoplasia type 3 (PCH3). Also called: PCH WITH OPTIC ATROPHY; CEREBELLAR ATROPHY WITH PROGRESSIVE MICROCEPHALY. Identifiers: Orphanet 97249, MedGen C1842687, MONDO:0011948, OMIM 608027.

Allele frequency attached by ClinVar (database versions not stated): gnomAD exomes 0.00005 and 0.00012; ExAC 0.00020; ESP Exome Variant Server 0.00033; gnomAD 0.00052; TOPMed 0.00066; 1000 Genomes Project 30x 0.00094; 1000 Genomes Project 0.00100.
gnomAD v4.1: 151 of 1,613,694 alleles (0.0094%); highest among the groups gnomAD compares: African/African-American, 0.17%; 1 homozygote.

Submissions (3):

Labcorp Genetics (formerly Invitae), Labcorp
Classification: Uncertain significance. Last evaluated: 2025-01-20. Review status: criteria provided, single submitter. Criteria: Invitae Variant Classification Sherloc (09022015). Collection method: clinical testing. Allele origin: germline.
Comment: This sequence change replaces glutamine, which is neutral and polar, with leucine, which is neutral and non-polar, at codon 2524 of the PCLO protein (p.Gln2524Leu). This variant is present in population databases (rs201409874, gnomAD 0.2%), including at least one homozygous and/or hemizygous individual. This variant has not been reported in the literature in individuals affected with PCLO-related conditions. ClinVar contains an entry for this variant (Variation ID: 1445134). Experimental studies and prediction algorithms are not available or were not evaluated, and the functional significance of this variant is currently unknown. In summary, the available evidence is currently insufficient to determine the role of this variant in disease. Therefore, it has been classified as a Variant of Uncertain Significance.

Fulgent Genetics
Classification: Uncertain significance for Pontocerebellar hypoplasia type 3. Last evaluated: 2022-03-30. Review status: criteria provided, single submitter. Criteria: ACMG Guidelines, 2015. Collection method: clinical testing. Allele origin: unknown.

PreventionGenetics, part of Exact Sciences
Classification: Likely benign for PCLO-related condition. Last evaluated: 2022-08-30. Review status: no assertion criteria provided. Collection method: clinical testing. Allele origin: germline. Not counted in ClinVar's aggregate classification.
Comment: This variant is classified as likely benign based on ACMG/AMP sequence variant interpretation guidelines (Richards et al. 2015 PMID: 25741868, with internal and published modifications).

NM_033026.6(PCLO):c.7571A>T (p.Gln2524Leu)

Gene: PCLO (piccolo presynaptic cytomatrix protein; minus strand). Cytogenetic location: 7q21.11.
Variant type: single nucleotide variant.
Coding change: c.7571A>T on transcript NM_033026.6 (MANE Select); coding-DNA position 7571, A replaced by T.
Protein change: p.Gln2524Leu; replaces glutamine 2524 with leucine.
Molecular consequence: missense variant.
Genome position (GRCh38, 1-based): chr7:82,953,382, T>A on the plus strand (A>T on the coding strand, the complement: PCLO is on the minus strand). VCF-style: chr7-82953382-T-A. GRCh37 (hg19) VCF-style: chr7-82582698-T-A.
Other names: c.7571A>T, p.Gln2524Leu (NM_014510.3); c.7571A>T (NM_033026.5); short protein forms Q2524L.
Identifiers: ClinVar variation 1445134 (VCV001445134.7), dbSNP rs201409874, ClinGen allele CA4320281.